The following is an entry in ClinVar:

NM_174936.4(PCSK9):c.235G>A (p.Val79Met)

Gene: PCSK9 (proprotein convertase subtilisin/kexin type 9; plus strand). Cytogenetic location: 1p32.3.
Variant type: single nucleotide variant.
Coding change: c.235G>A on transcript NM_174936.4 (MANE Select); coding-DNA position 235, G replaced by A.
Protein change: p.Val79Met; replaces valine 79 with methionine.
Molecular consequence: missense variant.
Genome position (GRCh38, 1-based): chr1:55,043,870, G>A. VCF-style: chr1-55043870-G-A. GRCh37 (hg19) VCF-style: chr1-55509543-G-A.
Other names: c.358G>A, p.Val120Met (NM_001407240.1); c.235G>A, p.Val79Met (NM_001407241.1, NM_001407242.1, NM_001407243.1 and 2 more transcripts); c.-141G>A (NM_001407246.1); short protein forms V120M, V79M.
Identifiers: ClinVar variation 1790140 (VCV001790140.4), dbSNP rs749049179, ClinGen allele CA040948.
Genomic context (GRCh38, chr1:55,043,870, plus strand): 5'-CATGTCATCATGTTCCTCCTTGCATGGGGCCAGGATCCGTGGAGGTTGCCTGGCACCTAC[G>A]TGGTGGTGCTGAAGGAGGAGACCCACCTCTCGCAGTCAGAGCGCACTGCCCGCCGCCTGC-3'
Protein context (NP_777596.2, residues 69-89): KDPWRLPGTY[Val79Met]VVLKEETHLS

ClinVar aggregate classification (germline): Conflicting classifications of pathogenicity. Review status: criteria provided, conflicting classifications (1 of 4 stars). 3 submissions from 3 submitters: Uncertain significance (2); Likely benign (1). Last evaluated 2025-09-22.

Conditions:
Familial hypercholesterolemia. Also called: Familial hypercholesterolemias; Familial hypercholesterolaemia. Identifiers: MedGen C0020445, MONDO:0005439.
Cardiovascular phenotype. Identifiers: MedGen CN230736.
Hypercholesterolemia, autosomal dominant, 3 (FHCL3). Also called: Familial Hypercholesterolemia, Autosomal Dominant, 3; PCSK9-Related Familial Hypercholesterolemia, Autosomal Dominant; Familial hypercholesterolemia 3. Identifiers: MedGen C1863551, MONDO:0011369, OMIM 603776.

Allele frequency attached by ClinVar (database versions not stated): TOPMed 0.00001; ExAC 0.00002; gnomAD 0.00002.
gnomAD v4.1: 18 of 1,614,050 alleles (0.0011%); highest among the groups gnomAD compares: Middle Eastern, 0.016%; no homozygotes.

Submissions (3):

Color Diagnostics, LLC DBA Color Health
Classification: Likely benign for Familial hypercholesterolemia. Last evaluated: 2025-09-22. Review status: criteria provided, single submitter. Criteria: ACMG Guidelines, 2015. Collection method: clinical testing. Allele origin: germline.

All of Us Research Program, National Institutes of Health
Classification: Uncertain significance for Hypercholesterolemia, autosomal dominant, 3. Last evaluated: 2023-10-23. Review status: criteria provided, single submitter. Criteria: ACMG Guidelines, 2015. Collection method: clinical testing. Allele origin: germline. Inheritance: Autosomal dominant inheritance. Observed: 2 variant alleles, 2 heterozygotes.
Comment: This missense variant replaces valine with methionine at codon 79 of the PCSK9 protein. Computational prediction suggests that this variant may not impact protein structure and function (internally defined REVEL score threshold <= 0.5, PMID: 27666373). To our knowledge, functional studies have not been reported for this variant. This variant has not been reported in individuals affected with PCSK9-related disorders in the literature. This variant has been identified in 3/250930 chromosomes in the general population by the Genome Aggregation Database (gnomAD). The available evidence is insufficient to determine the role of this variant in disease conclusively. Therefore, this variant is classified as a Variant of Uncertain Significance.

This study involves interpretation of variants in research participants for the purpose of population health screening. Participant phenotype was not available at the time of variant classification. Additional details can be found in publication PMID: 35346344, PMCID: PMC8962531

Ambry Genetics
Classification: Uncertain significance for Cardiovascular phenotype. Last evaluated: 2021-10-11. Review status: criteria provided, single submitter. Criteria: Ambry Variant Classification Scheme 2023. Collection method: clinical testing. Allele origin: germline.
Comment: The p.V79M variant (also known as c.235G>A), located in coding exon 2 of the PCSK9 gene, results from a G to A substitution at nucleotide position 235. The valine at codon 79 is replaced by methionine, an amino acid with highly similar properties. This amino acid position is conserved. In addition, this alteration is predicted to be tolerated by in silico analysis. Since supporting evidence is limited at this time, the clinical significance of this alteration remains unclear.